The following is an entry in ClinVar:

NM_001276345.2(TNNT2):c.181G>A (p.Glu61Lys)

Gene: TNNT2 (troponin T2, cardiac type; minus strand). Cytogenetic location: 1q32.1.
Variant type: single nucleotide variant.
Coding change: c.181G>A on transcript NM_001276345.2 (MANE Select); coding-DNA position 181, G replaced by A.
Protein change: p.Glu61Lys; replaces glutamic acid 61 with lysine.
Molecular consequence: missense variant.
Genome position (GRCh38, 1-based): chr1:201,367,789, C>T on the plus strand (G>A on the coding strand, the complement: TNNT2 is on the minus strand). VCF-style: chr1-201367789-C-T. GRCh37 (hg19) VCF-style: chr1-201336917-C-T.
Other names: c.181G>A, p.Glu61Lys (NM_000364.4, NM_001406723.1); c.151G>A, p.Glu51Lys (NM_001001430.3, NM_001001431.3, NM_001276347.2 and 3 more transcripts); c.136G>A, p.Glu46Lys (NM_001001432.3, NM_001406728.1); c.178G>A, p.Glu60Lys (NM_001276346.2); c.148G>A, p.Glu50Lys (NM_001406725.1); short protein forms E46K, E50K, E51K, E60K, E61K.
Identifiers: ClinVar variation 3073943 (VCV003073943.3), dbSNP rs1659921532, ClinGen allele CA344207021.

ClinVar aggregate classification (germline): Uncertain significance. Review status: criteria provided, multiple submitters, no conflicts (2 of 4 stars). 2 submissions from 2 submitters: Uncertain significance (2). Last evaluated 2025-08-16.

Conditions:
Cardiomyopathy (CMYO). Also called: Cardiomyopathies. Identifiers: Orphanet 167848, MedGen C0878544, MONDO:0004994, HP:0001638. Inheritance: Various modes of inheritance.
Hypertrophic cardiomyopathy 2. Also called: TNNT2-Related Familial Hypertrophic Cardiomyopathy. Identifiers: MedGen C1861864, MONDO:0007266, OMIM 115195.
Dilated cardiomyopathy 1D. Identifiers: Orphanet 154, Orphanet 54260, MedGen C1832243, MONDO:0011095, OMIM 601494.
Cardiomyopathy, familial restrictive, 3. Identifiers: Orphanet 75249, MedGen C2676271, MONDO:0012900, OMIM 612422.

Allele frequency attached by ClinVar (database versions not stated): TOPMed below 0.00001.

Submissions (2):

Labcorp Genetics (formerly Invitae), Labcorp
Classification: Uncertain significance for Cardiomyopathy, familial restrictive, 3; Hypertrophic cardiomyopathy 2; Dilated cardiomyopathy 1D. Last evaluated: 2025-08-16. Review status: criteria provided, single submitter. Criteria: Invitae Variant Classification Sherloc (09022015). Collection method: clinical testing. Allele origin: germline.
Comment: This sequence change replaces glutamic acid, which is acidic and polar, with lysine, which is basic and polar, at codon 51 of the TNNT2 protein (p.Glu51Lys). This variant is not present in population databases (gnomAD no frequency). This variant has not been reported in the literature in individuals affected with TNNT2-related conditions. ClinVar contains an entry for this variant (Variation ID: 3073943). Invitae Evidence Modeling of protein sequence and biophysical properties (such as structural, functional, and spatial information, amino acid conservation, physicochemical variation, residue mobility, and thermodynamic stability) indicates that this missense variant is not expected to disrupt TNNT2 protein function with a negative predictive value of 80%. In summary, the available evidence is currently insufficient to determine the role of this variant in disease. Therefore, it has been classified as a Variant of Uncertain Significance.

All of Us Research Program, National Institutes of Health
Classification: Uncertain significance for Cardiomyopathy. Last evaluated: 2023-11-30. Review status: criteria provided, single submitter. Criteria: ACMG Guidelines, 2015. Collection method: clinical testing. Allele origin: germline. Inheritance: Autosomal dominant inheritance. Observed: 1 variant allele, 1 heterozygote.
Comment: This study involves interpretation of variants in research participants for the purpose of population health screening. Participant phenotype was not available at the time of variant classification. Additional details can be found in publication PMID: 35346344, PMCID: PMC8962531